The following is an entry in ClinVar:

ClinVar aggregate classification (germline): Pathogenic (1 of 4 stars; one submission).

Submission:

Labcorp Genetics (formerly Invitae), Labcorp
Classification: Pathogenic. Last evaluated: 2025-01-15. Review status: criteria provided, single submitter. Criteria: Invitae Variant Classification Sherloc (09022015). Collection method: clinical testing. Allele origin: germline.
Comment: This sequence change affects an acceptor splice site in intron 18 of the COL2A1 gene. It is expected to disrupt RNA splicing. Variants that disrupt the donor or acceptor splice site typically lead to a loss of protein function (PMID: 16199547), and loss-of-function variants in COL2A1 are known to be pathogenic (PMID: 20179744). This variant is not present in population databases (gnomAD no frequency). Disruption of this splice site has been observed in individual(s) with clinical features of Stickler syndrome (PMID: 20179744, 32427345). It has also been observed to segregate with disease in related individuals. ClinVar contains an entry for this variant (Variation ID: 1483953). Algorithms developed to predict the effect of sequence changes on RNA splicing suggest that this variant may disrupt the consensus splice site. For these reasons, this variant has been classified as Pathogenic.

Literature cited by the submitters: PubMed 16199547; PubMed 20179744; PubMed 32427345.

NM_001844.5(COL2A1):c.1123-1G>C

Gene: COL2A1 (collagen type II alpha 1 chain; minus strand). Cytogenetic location: 12q13.11.
Variant type: single nucleotide variant.
Coding change: c.1123-1G>C on transcript NM_001844.5 (MANE Select); the canonical splice acceptor site of the intron before coding-DNA position 1123, G replaced by C.
Molecular consequence: splice acceptor variant.
Genome position (GRCh38, 1-based): chr12:47,987,710, C>G on the plus strand (G>C on the coding strand, the complement: COL2A1 is on the minus strand). VCF-style: chr12-47987710-C-G. GRCh37 (hg19) VCF-style: chr12-48381493-C-G.
Other names: c.916-1G>C (NM_033150.3).
Identifiers: ClinVar variation 1483953 (VCV001483953.6), dbSNP rs1565684864, ClinGen allele CA384554670.